The following is an entry in ClinVar:

ClinVar aggregate classification (germline): Uncertain significance (1 of 4 stars; one submission).

Conditions:
Fanconi anemia (FA). Also called: Fanconi's anemia. Identifiers: Orphanet 84, MedGen C0015625, MeSH D005199, MONDO:0019391.

Allele frequency attached by ClinVar (database versions not stated): gnomAD exomes below 0.00001.
gnomAD v4.1: 2 of 1,614,220 alleles (0.00012%); highest among the groups gnomAD compares: South Asian, 0.0011%; no homozygotes.

Submission:

Labcorp Genetics (formerly Invitae), Labcorp
Classification: Uncertain significance for Fanconi anemia. Last evaluated: 2023-02-27. Review status: criteria provided, single submitter. Criteria: Invitae Variant Classification Sherloc (09022015). Collection method: clinical testing. Allele origin: germline.
Comment: This variant is present in population databases (no rsID available, gnomAD 0.003%). In summary, the available evidence is currently insufficient to determine the role of this variant in disease. Therefore, it has been classified as a Variant of Uncertain Significance. Advanced modeling of protein sequence and biophysical properties (such as structural, functional, and spatial information, amino acid conservation, physicochemical variation, residue mobility, and thermodynamic stability) performed at Invitae indicates that this missense variant is not expected to disrupt FANCD2 protein function. ClinVar contains an entry for this variant (Variation ID: 849837). This variant has not been reported in the literature in individuals affected with FANCD2-related conditions. This sequence change replaces isoleucine, which is neutral and non-polar, with valine, which is neutral and non-polar, at codon 1196 of the FANCD2 protein (p.Ile1196Val).

NM_001018115.3(FANCD2):c.3586A>G (p.Ile1196Val)

Genes: FANCD2 (FA complementation group D2; plus strand), FANCD2OS (FANCD2 opposite strand; minus strand). Cytogenetic location: 3p25.3.
Variant type: single nucleotide variant.
Coding change: c.3586A>G on transcript NM_001018115.3 (MANE Select); coding-DNA position 3586, A replaced by G.
Protein change: p.Ile1196Val; replaces isoleucine 1196 with valine.
Molecular consequence: missense variant. On other transcripts: intron variant (1).
Genome position (GRCh38, 1-based): chr3:10,088,853, A>G. VCF-style: chr3-10088853-A-G. GRCh37 (hg19) VCF-style: chr3-10130537-A-G.
Other names: c.3586A>G, p.Ile1196Val (NM_001319984.2, NM_001374254.1, NM_033084.6); c.3475A>G, p.Ile1159Val (NM_001374253.1); c.*44-7322T>C (NM_173472.2); short protein forms I1159V, I1196V.
Identifiers: ClinVar variation 849837 (VCV000849837.8), dbSNP rs1339689117, ClinGen allele CA351754515.